The following is an entry in ClinVar:

NM_001292063.2(OTOG):c.3682+1G>A

Gene: OTOG (otogelin; plus strand). Cytogenetic location: 11p15.1.
Variant type: single nucleotide variant.
Coding change: c.3682+1G>A on transcript NM_001292063.2 (MANE Select); the canonical splice donor site of the intron after coding-DNA position 3682, G replaced by A.
Molecular consequence: splice donor variant.
Genome position (GRCh38, 1-based): chr11:17,597,008, G>A. VCF-style: chr11-17597008-G-A. GRCh37 (hg19) VCF-style: chr11-17618555-G-A.
Other names: c.3718+1G>A (NM_001277269.2).
Identifiers: ClinVar variation 1324834 (VCV001324834.9), dbSNP rs554063575, ClinGen allele CA5905761.

ClinVar aggregate classification (germline): Conflicting classifications of pathogenicity. Review status: criteria provided, conflicting classifications (1 of 4 stars). 6 submissions from 6 submitters: Likely pathogenic (5); Uncertain significance (1). Last evaluated 2026-06-11.

Conditions:
OTOG-related disorder. Also called: OTOG-related condition.
Autosomal recessive nonsyndromic hearing loss 18B. Also called: Deafness, autosomal recessive 18b. Identifiers: Orphanet 90636, MedGen C3554163, MONDO:0013985, OMIM 614945.

Allele frequency attached by ClinVar (database versions not stated): gnomAD 0.00001 and 0.00006; TOPMed 0.00002; gnomAD exomes 0.00010 and 0.00024; 1000 Genomes Project 30x 0.00016; 1000 Genomes Project 0.00020; ExAC 0.00089.
gnomAD v4.1: 152 of 1,549,832 alleles (0.0098%); highest among the groups gnomAD compares: South Asian, 0.16%; 2 homozygotes.

Submissions (6):

GeneDx
Classification: Likely pathogenic. Last evaluated: 2026-06-11. Review status: criteria provided, single submitter. Criteria: GeneDx Variant Classification Process June 2021. Collection method: clinical testing. Allele origin: germline.
Comment: Canonical splice site variant predicted to result in a null allele in a gene for which loss of function is a known mechanism of disease; Has not been previously published as pathogenic or benign in association with OTOG-related nonsyndromic hearing loss to our knowledge; This variant is associated with the following publications: (PMID: 36964991)

PreventionGenetics, part of Exact Sciences
Classification: Likely pathogenic for OTOG-related condition. Last evaluated: 2026-01-09. Review status: criteria provided, single submitter. Criteria: ACMG Guidelines, 2015. Collection method: clinical testing. Allele origin: germline.
Comment: The OTOG c.3718+1G>A variant is predicted to disrupt the GT donor site and interfere with normal splicing. To our knowledge, this variant has not been reported in the literature. This variant is reported in 0.15% of alleles in individuals of South Asian descent in gnomAD. Variants that disrupt the consensus splice donor site in OTOG are expected to be pathogenic. This variant is interpreted as likely pathogenic.

Revvity Omics, Revvity
Classification: Uncertain significance for Autosomal recessive nonsyndromic hearing loss 18B. Last evaluated: 2025-07-14. Review status: criteria provided, single submitter. Criteria: ACMG Guidelines, 2015. Collection method: clinical testing. Allele origin: germline.

First Genomix Gene Laboratory, Genetic Diagnostics Department
Classification: Likely pathogenic for Autosomal recessive nonsyndromic hearing loss 18B. Last evaluated: 2025-06-20. Review status: criteria provided, single submitter. Criteria: ACMG Guidelines, 2015. Collection method: clinical testing. Allele origin: germline. Inheritance: Autosomal recessive inheritance. Affected: no. Observed: 1 variant allele.

Blueprint Genetics
Classification: Likely pathogenic for OTOG-related disorders. Last evaluated: 2024-08-26. Review status: criteria provided, single submitter. Criteria: ACMG Guidelines, 2015. Collection method: clinical testing. Allele origin: germline. Affected: yes. Observed: 5 variant alleles.

3billion
Classification: Likely pathogenic for Autosomal recessive nonsyndromic hearing loss 18B. Last evaluated: 2022-01-03. Review status: criteria provided, single submitter. Criteria: ACMG Guidelines, 2015. Collection method: clinical testing. Allele origin: germline. Affected: yes. Observed: 1 heterozygote.
Comment: Canonical splice site: predicted to alter splicing and result in a loss or disruption of normal protein function through protein truncation. Multiple pathogenic variants are reported in the predicted truncated region (PVS1_VS). It is observed at an extremely low frequency in the gnomAD v2.1.1 dataset (total allele frequency: 0.000236, PM2_M). Therefore, this variant is classified as likely pathogenic according to the recommendation of ACMG/AMP guideline.